The following is an entry in ClinVar:

NM_015294.6(TRIM37):c.123+2T>C

Gene: TRIM37 (tripartite motif containing 37; minus strand). Cytogenetic location: 17q22.
Variant type: single nucleotide variant.
Coding change: c.123+2T>C on transcript NM_015294.6 (MANE Select); the canonical splice donor site of the intron after coding-DNA position 123, T replaced by C.
Molecular consequence: splice donor variant. On other transcripts: intron variant (3).
Genome position (GRCh38, 1-based): chr17:59,104,291, A>G on the plus strand (T>C on the coding strand, the complement: TRIM37 is on the minus strand). VCF-style: chr17-59104291-A-G. GRCh37 (hg19) VCF-style: chr17-57181652-A-G.
Other names: c.123+2T>C (NM_001320989.3, NM_001005207.5, NM_001353086.2 and 2 more transcripts); c.-252+2150T>C (NM_001353085.2); c.21+2150T>C (NM_001320987.3, NM_001353082.2); c.-630+2T>C (NM_001353083.2); c.-320+2T>C (NM_001320990.3).
Identifiers: ClinVar variation 4768530 (VCV004768530.1).

ClinVar aggregate classification (germline): Likely pathogenic (1 of 4 stars; one submission).

Submission:

Labcorp Genetics (formerly Invitae), Labcorp
Classification: Likely pathogenic. Last evaluated: 2025-04-01. Review status: criteria provided, single submitter. Criteria: Invitae Variant Classification Sherloc (09022015). Collection method: clinical testing. Allele origin: germline.
Comment: This sequence change affects a donor splice site in intron 2 of the TRIM37 gene. It is expected to disrupt RNA splicing. Variants that disrupt the donor or acceptor splice site typically lead to a loss of protein function (PMID: 16199547), and loss-of-function variants in TRIM37 are known to be pathogenic (PMID: 10888877, 15108285). This variant is not present in population databases (gnomAD no frequency). This variant has not been reported in the literature in individuals affected with TRIM37-related conditions. Algorithms developed to predict the effect of sequence changes on RNA splicing suggest that this variant may disrupt the consensus splice site. In summary, the currently available evidence indicates that the variant is pathogenic, but additional data are needed to prove that conclusively. Therefore, this variant has been classified as Likely Pathogenic.

Literature cited by the submitters: PubMed 16199547; PubMed 10888877; PubMed 15108285.